The following is an entry in ClinVar:

GRCh37/hg19 16p13.12-13.11(chr16:14766480-16286694)

Genes: ABCC6 (ATP binding cassette subfamily C member 6; minus strand), BMERB1 (bMERB domain containing 1; plus strand), ABCC1 (ATP binding cassette subfamily C member 1 (ABCC1 blood group); plus strand), CEP20 (centrosomal protein 20; minus strand), MARF1 (meiosis regulator and mRNA stability factor 1; minus strand) and 12 more. Cytogenetic location: 16p13.12-13.11.
Variant type: copy number gain.
Identifiers: ClinVar variation 625565 (VCV000625565.1).

ClinVar aggregate classification (germline): Pathogenic (1 of 4 stars; one submission).

Submission:

Baylor Genetics
Classification: Pathogenic. Last evaluated: 2018-11-01. Review status: criteria provided, single submitter. Criteria: ACMG CNV Guidelines, 2011. Collection method: clinical testing. Allele origin: germline. Affected: no. Observed: 1 variant allele.
Comment: This 16p13.11 microduplication is associated with varied clinical features including behavioral abnormalities, cognitive impairment, congenital heart defects and skeletal manifestations [PMID:21150890]